The following is an entry in ClinVar:

ClinVar aggregate classification (germline): Uncertain significance (1 of 4 stars; one submission).

Conditions:
Aortic aneurysm, familial thoracic 7 (AAT7). Also called: AORTIC DISSECTION, FAMILIAL, WITH OR WITHOUT AORTIC ANEURYSM. Identifiers: MedGen C3151077, MONDO:0013418, OMIM 613780.

Submission:

Labcorp Genetics (formerly Invitae), Labcorp
Classification: Uncertain significance for Aortic aneurysm, familial thoracic 7. Last evaluated: 2023-02-20. Review status: criteria provided, single submitter. Criteria: Invitae Variant Classification Sherloc (09022015). Collection method: clinical testing. Allele origin: germline.
Comment: Advanced modeling of protein sequence and biophysical properties (such as structural, functional, and spatial information, amino acid conservation, physicochemical variation, residue mobility, and thermodynamic stability) performed at Invitae indicates that this missense variant is not expected to disrupt MYLK protein function. This sequence change replaces glutamic acid, which is acidic and polar, with lysine, which is basic and polar, at codon 219 of the MYLK protein (p.Glu219Lys). This variant is not present in population databases (gnomAD no frequency). This variant has not been reported in the literature in individuals affected with MYLK-related conditions. In summary, the available evidence is currently insufficient to determine the role of this variant in disease. Therefore, it has been classified as a Variant of Uncertain Significance.

NM_053025.4(MYLK):c.655G>A (p.Glu219Lys)

Gene: MYLK (myosin light chain kinase; minus strand). Cytogenetic location: 3q21.1.
Variant type: single nucleotide variant.
Coding change: c.655G>A on transcript NM_053025.4 (MANE Select); coding-DNA position 655, G replaced by A.
Protein change: p.Glu219Lys; replaces glutamic acid 219 with lysine.
Molecular consequence: missense variant.
Genome position (GRCh38, 1-based): chr3:123,737,477, C>T on the plus strand (G>A on the coding strand, the complement: MYLK is on the minus strand). VCF-style: chr3-123737477-C-T. GRCh37 (hg19) VCF-style: chr3-123456324-C-T.
Other names: c.127G>A, p.Glu43Lys (NM_001321309.2); c.655G>A, p.Glu219Lys (NM_053026.4, NM_053027.4, NM_053028.4); short protein forms E219K, E43K.
Identifiers: ClinVar variation 2969874 (VCV002969874.3), dbSNP rs2474607032, ClinGen allele CA354240849.